The following is an entry in ClinVar:

NM_022835.3(PLEKHG2):c.3016C>T (p.Pro1006Ser)

Gene: PLEKHG2 (pleckstrin homology and RhoGEF domain containing G2; plus strand). Cytogenetic location: 19q13.2.
Variant type: single nucleotide variant.
Coding change: c.3016C>T on transcript NM_022835.3 (MANE Select); coding-DNA position 3016, C replaced by T.
Protein change: p.Pro1006Ser; replaces proline 1006 with serine.
Molecular consequence: missense variant. On other transcripts: intron variant (1).
Genome position (GRCh38, 1-based): chr19:39,424,149, C>T. VCF-style: chr19-39424149-C-T. GRCh37 (hg19) VCF-style: chr19-39914789-C-T.
Other names: c.3016C>T (NM_022835.2); c.2839C>T, p.Pro947Ser (NM_001351693.2); c.1678-1089C>T (NM_001351694.2); short protein forms P1006S, P947S.
Identifiers: ClinVar variation 2041956 (VCV002041956.6), dbSNP rs376671296, ClinGen allele CA9429914.

ClinVar aggregate classification (germline): Uncertain significance. Review status: criteria provided, multiple submitters, no conflicts (2 of 4 stars). 2 submissions from 2 submitters: Uncertain significance (2). Last evaluated 2025-04-04.

Allele frequency attached by ClinVar (database versions not stated): gnomAD 0.00015; ExAC 0.00004; ESP Exome Variant Server 0.00008; TOPMed 0.00014.
gnomAD v4.1: 37 of 1,614,070 alleles (0.0023%); highest among the groups gnomAD compares: African/African-American, 0.044%; no homozygotes.

Submissions (2):

Ambry Genetics
Classification: Uncertain significance. Last evaluated: 2025-04-04. Review status: criteria provided, single submitter. Criteria: Ambry Variant Classification Scheme 2023. Collection method: clinical testing. Allele origin: germline.

Labcorp Genetics (formerly Invitae), Labcorp
Classification: Uncertain significance. Last evaluated: 2024-10-24. Review status: criteria provided, single submitter. Criteria: Invitae Variant Classification Sherloc (09022015). Collection method: clinical testing. Allele origin: germline.
Comment: This sequence change replaces proline, which is neutral and non-polar, with serine, which is neutral and polar, at codon 1006 of the PLEKHG2 protein (p.Pro1006Ser). This variant is present in population databases (rs376671296, gnomAD 0.04%). This variant has not been reported in the literature in individuals affected with PLEKHG2-related conditions. ClinVar contains an entry for this variant (Variation ID: 2041956). An algorithm developed to predict the effect of missense changes on protein structure and function outputs the following: PolyPhen-2: "Benign". The serine amino acid residue is found in multiple mammalian species, which suggests that this missense change does not adversely affect protein function. In summary, the available evidence is currently insufficient to determine the role of this variant in disease. Therefore, it has been classified as a Variant of Uncertain Significance.